The following is an entry in ClinVar:

NM_001184.4(ATR):c.7497C>G (p.Phe2499Leu)

Gene: ATR (ATR serine/threonine kinase; minus strand). Cytogenetic location: 3q23.
Variant type: single nucleotide variant.
Coding change: c.7497C>G on transcript NM_001184.4 (MANE Select); coding-DNA position 7497, C replaced by G.
Protein change: p.Phe2499Leu; replaces phenylalanine 2499 with leucine.
Molecular consequence: missense variant.
Genome position (GRCh38, 1-based): chr3:142,458,964, G>C on the plus strand (C>G on the coding strand, the complement: ATR is on the minus strand). VCF-style: chr3-142458964-G-C. GRCh37 (hg19) VCF-style: chr3-142177806-G-C.
Other names: c.7305C>G, p.Phe2435Leu (NM_001354579.2); short protein forms F2499L, F2435L.
Identifiers: ClinVar variation 3463250 (VCV003463250.1).

ClinVar aggregate classification (germline): Uncertain significance (1 of 4 stars; one submission).

Conditions:
Inborn genetic diseases. Identifiers: MedGen C0950123, MeSH D030342.

Submission:

Ambry Genetics
Classification: Uncertain significance for Inborn genetic diseases. Last evaluated: 2024-10-28. Review status: criteria provided, single submitter. Criteria: Ambry Variant Classification Scheme 2023. Collection method: clinical testing. Allele origin: germline.
Comment: The p.F2499L variant (also known as c.7497C>G), located in coding exon 44 of the ATR gene, results from a C to G substitution at nucleotide position 7497. The phenylalanine at codon 2499 is replaced by leucine, an amino acid with highly similar properties. This amino acid position is conserved. In addition, this alteration is predicted to be deleterious by in silico analysis. Based on the available evidence, the clinical significance of this variant remains unclear.